The following is an entry in ClinVar:

NM_015909.4(NBAS):c.2937+6T>G

Gene: NBAS (NBAS subunit of NRZ tethering complex; minus strand). Cytogenetic location: 2p24.3.
Variant type: single nucleotide variant.
Coding change: c.2937+6T>G on transcript NM_015909.4 (MANE Select); 6 bases into the intron after coding-DNA position 2937, T replaced by G.
Molecular consequence: intron variant.
Genome position (GRCh38, 1-based): chr2:15,415,540, A>C on the plus strand (T>G on the coding strand, the complement: NBAS is on the minus strand). VCF-style: chr2-15415540-A-C. GRCh37 (hg19) VCF-style: chr2-15555664-A-C.
Identifiers: ClinVar variation 1353824 (VCV001353824.3), dbSNP rs769340569, ClinGen allele CA1536224.

ClinVar aggregate classification (germline): Uncertain significance (1 of 4 stars; one submission).

Allele frequency attached by ClinVar (database versions not stated): TOPMed below 0.00001; gnomAD exomes 0.00001 and 0.00003; ExAC 0.00004.
gnomAD v4.1: 17 of 1,613,582 alleles (0.0011%); highest among the groups gnomAD compares: South Asian, 0.019%; no homozygotes.

Submission:

Labcorp Genetics (formerly Invitae), Labcorp
Classification: Uncertain significance. Last evaluated: 2022-07-06. Review status: criteria provided, single submitter. Criteria: Invitae Variant Classification Sherloc (09022015). Collection method: clinical testing. Allele origin: germline.
Comment: This sequence change falls in intron 25 of the NBAS gene. It does not directly change the encoded amino acid sequence of the NBAS protein. It affects a nucleotide within the consensus splice site. This variant is present in population databases (rs769340569, gnomAD 0.03%). This variant has not been reported in the literature in individuals affected with NBAS-related conditions. ClinVar contains an entry for this variant (Variation ID: 1353824). Variants that disrupt the consensus splice site are a relatively common cause of aberrant splicing (PMID: 17576681, 9536098). Algorithms developed to predict the effect of sequence changes on RNA splicing suggest that this variant may disrupt the consensus splice site. In summary, the available evidence is currently insufficient to determine the role of this variant in disease. Therefore, it has been classified as a Variant of Uncertain Significance.

Literature cited by the submitters: PubMed 17576681; PubMed 9536098.